The following is an entry in ClinVar:

ClinVar aggregate classification (germline): Uncertain significance (1 of 4 stars; one submission).

Conditions:
Hereditary cancer-predisposing syndrome. Also called: Hereditary neoplastic syndrome; Neoplastic Syndromes, Hereditary; Tumor predisposition; Hereditary Cancer Syndrome. Identifiers: Orphanet 140162, MedGen C0027672, MeSH D009386, MONDO:0015356.

Submission:

Labcorp Genetics (formerly Invitae), Labcorp
Classification: Uncertain significance for Hereditary cancer-predisposing syndrome. Last evaluated: 2023-09-10. Review status: criteria provided, single submitter. Criteria: Invitae Variant Classification Sherloc (09022015). Collection method: clinical testing. Allele origin: germline.
Comment: In summary, the available evidence is currently insufficient to determine the role of this variant in disease. Therefore, it has been classified as a Variant of Uncertain Significance. ClinVar contains an entry for this variant (Variation ID: 1005273). This variant has not been reported in the literature in individuals affected with RAD50-related conditions. This variant is not present in population databases (gnomAD no frequency). This sequence change replaces glutamic acid, which is acidic and polar, with lysine, which is basic and polar, at codon 577 of the RAD50 protein (p.Glu577Lys). Advanced modeling of protein sequence and biophysical properties (such as structural, functional, and spatial information, amino acid conservation, physicochemical variation, residue mobility, and thermodynamic stability) performed at Invitae indicates that this missense variant is not expected to disrupt RAD50 protein function.

NM_005732.4(RAD50):c.1729G>A (p.Glu577Lys)

Gene: RAD50 (RAD50 double strand break repair protein; plus strand). Cytogenetic location: 5q31.1.
Variant type: single nucleotide variant.
Coding change: c.1729G>A on transcript NM_005732.4 (MANE Select); coding-DNA position 1729, G replaced by A.
Protein change: p.Glu577Lys; replaces glutamic acid 577 with lysine.
Molecular consequence: missense variant.
Genome position (GRCh38, 1-based): chr5:132,591,970, G>A. VCF-style: chr5-132591970-G-A. GRCh37 (hg19) VCF-style: chr5-131927662-G-A.
Other names: short protein forms E577K.
Identifiers: ClinVar variation 1005273 (VCV001005273.10), dbSNP rs926372814, ClinGen allele CA127247045.